The following is an entry in ClinVar:

NM_078470.6(COX15):c.110C>T (p.Pro37Leu)

Gene: COX15 (cytochrome c oxidase assembly homolog COX15; minus strand). Cytogenetic location: 10q24.2.
Variant type: single nucleotide variant.
Coding change: c.110C>T on transcript NM_078470.6 (MANE Select); coding-DNA position 110, C replaced by T.
Protein change: p.Pro37Leu; replaces proline 37 with leucine.
Molecular consequence: missense variant. On other transcripts: 5 prime UTR variant (1), non-coding transcript variant (1).
Genome position (GRCh38, 1-based): chr10:99,729,715, G>A on the plus strand (C>T on the coding strand, the complement: COX15 is on the minus strand). VCF-style: chr10-99729715-G-A. GRCh37 (hg19) VCF-style: chr10-101489472-G-A.
Other names: c.110C>T, p.Pro37Leu (NM_001320974.2, NM_001320975.2, NM_001372024.1 and 5 more transcripts); c.-345C>T (NM_001320976.2); short protein forms P37L.
Identifiers: ClinVar variation 1948643 (VCV001948643.2), dbSNP rs757956450, ClinGen allele CA5642355.
Genomic context (GRCh38, chr10:99,729,715, plus strand): 5'-GTACCCCTTCCAGATTGCAAAGCTACTTCAGAGATGGTGCTGTATTGCCCTGGCCTCAAA[G>A]GGCGCCTGATGCAATCACACTAAAGATCAAGATAGACAAATTACAACTGGAGAAACAGGG-3'
Protein context (NP_510870.1, residues 27-47): PRAQCDCIRR[Pro37Leu]LRPGQYSTIS

ClinVar aggregate classification (germline): Uncertain significance (1 of 4 stars; one submission).

Allele frequency attached by ClinVar (database versions not stated): gnomAD exomes below 0.00001; ExAC 0.00001; TOPMed 0.00001.
gnomAD v4.1: 3 of 1,614,136 alleles (0.00019%); highest among the groups gnomAD compares: Non-Finnish European, 0.00025%; no homozygotes.

Submission:

Labcorp Genetics (formerly Invitae), Labcorp
Classification: Uncertain significance. Last evaluated: 2022-02-28. Review status: criteria provided, single submitter. Criteria: Invitae Variant Classification Sherloc (09022015). Collection method: clinical testing. Allele origin: germline.
Comment: This sequence change replaces proline, which is neutral and non-polar, with leucine, which is neutral and non-polar, at codon 37 of the COX15 protein (p.Pro37Leu). This variant is present in population databases (rs757956450, gnomAD 0.0009%). This variant has not been reported in the literature in individuals affected with COX15-related conditions. Algorithms developed to predict the effect of missense changes on protein structure and function are either unavailable or do not agree on the potential impact of this missense change (SIFT: "Not Available"; PolyPhen-2: "Benign"; Align-GVGD: "Not Available"). In summary, the available evidence is currently insufficient to determine the role of this variant in disease. Therefore, it has been classified as a Variant of Uncertain Significance.